The following is an entry in ClinVar:

NM_001083961.2(WDR62):c.45G>A (p.Gly15=)

Gene: WDR62 (WD repeat domain 62; plus strand). Cytogenetic location: 19q13.12.
Variant type: single nucleotide variant.
Coding change: c.45G>A on transcript NM_001083961.2 (MANE Select); coding-DNA position 45, G replaced by A.
Protein change: p.Gly15=; no amino-acid change (glycine 15 retained).
Molecular consequence: synonymous variant.
Genome position (GRCh38, 1-based): chr19:36,055,016, G>A. VCF-style: chr19-36055016-G-A. GRCh37 (hg19) VCF-style: chr19-36545918-G-A.
Other names: c.45G>A, p.Gly15= (NM_001411145.1, NM_001411146.1, NM_001411147.1 and 1 more transcripts).
Identifiers: ClinVar variation 4875196 (VCV004875196.2).
Genomic context (GRCh38, chr19:36,055,016, plus strand): 5'-CGCCTCCGGCGTGACGATGGCGGCCGTAGGGTCCGGAGGCTATGCGCGGAACGATGCAGG[G>A]GAGAAGCTGCCCTCTGTCATGGCGGGAGTTCCGGCGCGGAGGGGCCAGTCCTCCCCGCCC-3'
Protein context (NP_001077430.1, residues 5-25): GSGGYARNDA[Gly15=]EKLPSVMAGV

ClinVar aggregate classification (germline): Likely benign (1 of 4 stars; one submission).

Submission:

CeGaT Center for Human Genetics Tuebingen
Classification: Likely benign. Last evaluated: 2026-06-01. Review status: criteria provided, single submitter. Criteria: CeGaT Center For Human Genetics Tuebingen Variant Classification Criteria Version 2. Collection method: clinical testing. Allele origin: germline. Affected: yes. Observed: 1 variant allele.
Comment: WDR62: PM2:Supporting, BP4, BP7